The following is an entry in ClinVar:

ClinVar aggregate classification (germline): Uncertain significance (1 of 4 stars; one submission).

Allele frequency attached by ClinVar (database versions not stated): gnomAD 0.00002; TOPMed 0.00002; ESP Exome Variant Server 0.00008.
gnomAD v4.1: 15 of 1,612,862 alleles (0.00093%); highest among the groups gnomAD compares: Non-Finnish European, 0.0012%; no homozygotes.

Submission:

Labcorp Genetics (formerly Invitae), Labcorp
Classification: Uncertain significance. Last evaluated: 2025-11-24. Review status: criteria provided, single submitter. Criteria: Invitae Variant Classification Sherloc (09022015). Collection method: clinical testing. Allele origin: germline.
Comment: This sequence change falls in intron 2 of the UCHL1 gene. It does not directly change the encoded amino acid sequence of the UCHL1 protein. It affects a nucleotide within the consensus splice site. This variant is present in population databases (rs371544761, gnomAD 0.002%). This variant has not been reported in the literature in individuals affected with UCHL1-related conditions. ClinVar contains an entry for this variant (Variation ID: 1906957). Variants that disrupt the consensus splice site are a relatively common cause of aberrant splicing (PMID: 17576681, 9536098). Algorithms developed to predict the effect of sequence changes on RNA splicing suggest that this variant is not likely to affect RNA splicing. In summary, the available evidence is currently insufficient to determine the role of this variant in disease. Therefore, it has been classified as a Variant of Uncertain Significance.

Literature cited by the submitters: PubMed 17576681; PubMed 9536098.

NM_004181.5(UCHL1):c.45+3G>A

Gene: UCHL1 (ubiquitin C-terminal hydrolase L1; plus strand). Cytogenetic location: 4p13.
Variant type: single nucleotide variant.
Coding change: c.45+3G>A on transcript NM_004181.5 (MANE Select); 3 bases into the intron after coding-DNA position 45, G replaced by A.
Molecular consequence: intron variant.
Genome position (GRCh38, 1-based): chr4:41,257,129, G>A. VCF-style: chr4-41257129-G-A. GRCh37 (hg19) VCF-style: chr4-41259146-G-A.
Identifiers: ClinVar variation 1906957 (VCV001906957.5), dbSNP rs371544761, ClinGen allele CA95777358.